The following is an entry in ClinVar:

ClinVar aggregate classification (germline): Pathogenic. Review status: criteria provided, multiple submitters, no conflicts (2 of 4 stars). 2 submissions from 2 submitters: Pathogenic (2). Last evaluated 2025-02-01.

Conditions:
Spastic paraplegia. Identifiers: MedGen C0037772, HP:0001258.
Hereditary spastic paraplegia 15 (SPG15). Also called: SPASTIC PARAPLEGIA AND RETINAL DEGENERATION; SPASTIC PARAPLEGIA 15, AUTOSOMAL RECESSIVE; KJELLIN SYNDROME. Identifiers: Orphanet 100996, MedGen C1849128, MONDO:0010044, OMIM 270700.

Submissions (2):

Myriad Genetics, Inc.
Classification: Pathogenic for Hereditary spastic paraplegia 15. Last evaluated: 2025-02-01. Review status: criteria provided, single submitter. Criteria: Myriad Autosomal Dominant, Autosomal Recessive and X-Linked Classification Criteria (2023). Collection method: clinical testing. Allele origin: unknown.
Comment: NM_015346.3(ZFYVE26):c.2271C>G(Y757*) is expected to be pathogenic in the context of spastic paraplegia type 15. This variant is predicted to lead to an abnormal or absent protein product due to the creation of a premature termination codon in ZFYVE26, a gene where loss-of-function variants are known to be pathogenic. Please note: this variant was assessed in the context of healthy population screening.

Labcorp Genetics (formerly Invitae), Labcorp
Classification: Pathogenic for Spastic paraplegia. Last evaluated: 2020-03-03. Review status: criteria provided, single submitter. Criteria: Invitae Variant Classification Sherloc (09022015). Collection method: clinical testing. Allele origin: germline.
Comment: Loss-of-function variants in ZFYVE26 are known to be pathogenic (PMID: 18394578, 19805727). This variant has not been reported in the literature in individuals with ZFYVE26-related conditions. This variant is not present in population databases (ExAC no frequency). This sequence change creates a premature translational stop signal (p.Tyr757*) in the ZFYVE26 gene. It is expected to result in an absent or disrupted protein product. For these reasons, this variant has been classified as Pathogenic.

Literature cited by the submitters: PubMed 18394578 (cited by Labcorp Genetics (formerly Invitae), Labcorp); PubMed 19805727 (cited by Labcorp Genetics (formerly Invitae), Labcorp).

NM_015346.4(ZFYVE26):c.2271C>G (p.Tyr757Ter)

Gene: ZFYVE26 (zinc finger FYVE-type containing 26; minus strand). Cytogenetic location: 14q24.1.
Variant type: single nucleotide variant.
Coding change: c.2271C>G on transcript NM_015346.4 (MANE Select); coding-DNA position 2271, C replaced by G.
Protein change: p.Tyr757Ter; replaces tyrosine 757 with a stop codon.
Molecular consequence: nonsense.
Genome position (GRCh38, 1-based): chr14:67,797,733, G>C on the plus strand (C>G on the coding strand, the complement: ZFYVE26 is on the minus strand). VCF-style: chr14-67797733-G-C. GRCh37 (hg19) VCF-style: chr14-68264450-G-C.
Other names: short protein forms Y757*.
Identifiers: ClinVar variation 1068663 (VCV001068663.8), dbSNP rs1167190644, ClinGen allele CA390174793.
Genomic context (GRCh38, chr14:67,797,733, plus strand): 5'-TGCCTGGCTCCTTCTTGTCCGACGACCCCGGCGGAGACTGGGGTGACGTGTGGCAGGCTG[G>C]TATCTTCGGGAAGGTTGCTCCTCTGAAAGAGCAAACCCAATGGGACAGAAAGGAGAGTGA-3'